The following is an entry in ClinVar:

ClinVar aggregate classification (germline): Uncertain significance. Review status: criteria provided, multiple submitters, no conflicts (2 of 4 stars). 2 submissions from 2 submitters: Uncertain significance (2). Last evaluated 2023-07-31.

Submissions (2):

GeneDx
Classification: Uncertain significance. Last evaluated: 2023-07-31. Review status: criteria provided, single submitter. Criteria: GeneDx Variant Classification Process June 2021. Collection method: clinical testing. Allele origin: germline. Affected: yes.
Comment: Not observed at significant frequency in large population cohorts (gnomAD); In silico analysis supports that this missense variant has a deleterious effect on protein structure/function; Has not been previously published as pathogenic or benign to our knowledge

Women's Health and Genetics/Laboratory Corporation of America, LabCorp
Classification: Uncertain significance. Last evaluated: 2022-05-19. Review status: criteria provided, single submitter. Criteria: LabCorp Variant Classification Summary - May 2015. Collection method: clinical testing. Allele origin: germline.
Comment: Variant summary: RIT1 c.358C>G (p.Arg120Gly) results in a non-conservative amino acid change located in the Small GTP-binding protein domain (IPR005225) of the encoded protein sequence. Five of five in-silico tools predict a damaging effect of the variant on protein function. The variant was absent in 251446 control chromosomes (gnomAD). The available data on variant occurrences in the general population are insufficient to allow any conclusion about variant significance. To our knowledge, no occurrence of c.358C>G in individuals affected with Noonan Syndrome and no experimental evidence demonstrating its impact on protein function have been reported. No clinical diagnostic laboratories have submitted clinical-significance assessments for this variant to ClinVar after 2014. Based on the evidence outlined above, the variant was classified as uncertain significance.

NM_006912.6(RIT1):c.358C>G (p.Arg120Gly)

Gene: RIT1 (Ras like without CAAX 1; minus strand). Cytogenetic location: 1q22.
Variant type: single nucleotide variant.
Coding change: c.358C>G on transcript NM_006912.6 (MANE Select); coding-DNA position 358, C replaced by G.
Protein change: p.Arg120Gly; replaces arginine 120 with glycine.
Molecular consequence: missense variant.
Genome position (GRCh38, 1-based): chr1:155,904,382, G>C on the plus strand (C>G on the coding strand, the complement: RIT1 is on the minus strand). VCF-style: chr1-155904382-G-C. GRCh37 (hg19) VCF-style: chr1-155874173-G-C.
Other names: c.250C>G, p.Arg84Gly (NM_001256820.2); c.409C>G, p.Arg137Gly (NM_001256821.2); short protein forms R120G, R137G, R84G.
Identifiers: ClinVar variation 1696289 (VCV001696289.2), dbSNP rs2102584744, ClinGen allele CA342802321.